The following is an entry in ClinVar:

ClinVar aggregate classification (germline): Uncertain significance (1 of 4 stars; one submission).

Conditions:
Autosomal dominant nonsyndromic hearing loss 1. Also called: KONIGSMARK SYNDROME; DEAFNESS, AUTOSOMAL DOMINANT 1, WITH OR WITHOUT THROMBOCYTOPENIA. Identifiers: Orphanet 90635, MedGen C1852282, MONDO:0007424, OMIM 124900.
Progressive microcephaly-seizures-cortical blindness-developmental delay syndrome. Also called: Seizures, cortical blindness, and microcephaly syndrome. Identifiers: Orphanet 477814, MedGen C5567650, MONDO:0014714, OMIM 616632.

Submission:

Labcorp Genetics (formerly Invitae), Labcorp
Classification: Uncertain significance for Progressive microcephaly-seizures-cortical blindness-developmental delay syndrome; Autosomal dominant nonsyndromic hearing loss 1. Last evaluated: 2024-05-23. Review status: criteria provided, single submitter. Criteria: Invitae Variant Classification Sherloc (09022015). Collection method: clinical testing. Allele origin: germline.
Comment: This sequence change replaces alanine, which is neutral and non-polar, with glycine, which is neutral and non-polar, at codon 638 of the DIAPH1 protein (p.Ala638Gly). This variant is not present in population databases (gnomAD no frequency). This variant has not been reported in the literature in individuals affected with DIAPH1-related conditions. Algorithms developed to predict the effect of missense changes on protein structure and function output the following: SIFT: "Not Available"; PolyPhen-2: "Not Available"; Align-GVGD: "Not Available". The glycine amino acid residue is found in multiple mammalian species, which suggests that this missense change does not adversely affect protein function. In summary, the available evidence is currently insufficient to determine the role of this variant in disease. Therefore, it has been classified as a Variant of Uncertain Significance.

NM_005219.5(DIAPH1):c.1913C>G (p.Ala638Gly)

Gene: DIAPH1 (diaphanous related formin 1; minus strand). Cytogenetic location: 5q31.3.
Variant type: single nucleotide variant.
Coding change: c.1913C>G on transcript NM_005219.5 (MANE Select); coding-DNA position 1913, C replaced by G.
Protein change: p.Ala638Gly; replaces alanine 638 with glycine.
Molecular consequence: missense variant.
Genome position (GRCh38, 1-based): chr5:141,573,937, G>C on the plus strand (C>G on the coding strand, the complement: DIAPH1 is on the minus strand). VCF-style: chr5-141573937-G-C. GRCh37 (hg19) VCF-style: chr5-140953504-G-C.
Other names: c.1886C>G, p.Ala629Gly (NM_001079812.3); c.1913C>G, p.Ala638Gly (NM_001314007.2); short protein forms A629G, A638G.
Identifiers: ClinVar variation 3756529 (VCV003756529.2).